The following is an entry in ClinVar:

NM_003105.6(SORL1):c.3677A>G (p.Asp1226Gly)

Gene: SORL1 (sortilin related receptor 1; plus strand). Cytogenetic location: 11q24.1.
Variant type: single nucleotide variant.
Coding change: c.3677A>G on transcript NM_003105.6 (MANE Select); coding-DNA position 3677, A replaced by G.
Protein change: p.Asp1226Gly; replaces aspartic acid 1226 with glycine.
Molecular consequence: missense variant.
Genome position (GRCh38, 1-based): chr11:121,583,554, A>G. VCF-style: chr11-121583554-A-G. GRCh37 (hg19) VCF-style: chr11-121454263-A-G.
Other names: short protein forms D1226G.
Identifiers: ClinVar variation 2694739 (VCV002694739.3), dbSNP rs2496938505, ClinGen allele CA383025967.

ClinVar aggregate classification (germline): Uncertain significance (1 of 4 stars; one submission).

Submission:

Labcorp Genetics (formerly Invitae), Labcorp
Classification: Uncertain significance. Last evaluated: 2023-11-10. Review status: criteria provided, single submitter. Criteria: Invitae Variant Classification Sherloc (09022015). Collection method: clinical testing. Allele origin: germline.
Comment: This sequence change replaces aspartic acid, which is acidic and polar, with glycine, which is neutral and non-polar, at codon 1226 of the SORL1 protein (p.Asp1226Gly). This variant is not present in population databases (gnomAD no frequency). This variant has not been reported in the literature in individuals affected with SORL1-related conditions. An algorithm developed to predict the effect of missense changes on protein structure and function (PolyPhen-2) suggests that this variant is likely to be disruptive. In summary, the available evidence is currently insufficient to determine the role of this variant in disease. Therefore, it has been classified as a Variant of Uncertain Significance.